The following is an entry in ClinVar:

NM_001243133.2(NLRP3):c.2767G>C (p.Gly923Arg)

Gene: NLRP3 (NLR family pyrin domain containing 3; plus strand). Cytogenetic location: 1q44.
Variant type: single nucleotide variant.
Coding change: c.2767G>C on transcript NM_001243133.2 (MANE Select); coding-DNA position 2767, G replaced by C.
Protein change: p.Gly923Arg; replaces glycine 923 with arginine.
Molecular consequence: missense variant.
Genome position (GRCh38, 1-based): chr1:247,444,075, G>C. VCF-style: chr1-247444075-G-C. GRCh37 (hg19) VCF-style: chr1-247607377-G-C.
Other names: c.2767G>C, p.Gly923Arg (NM_001079821.3); c.2596G>C, p.Gly866Arg (NM_001127461.3, NM_001127462.3); c.2773G>C, p.Gly925Arg (NM_004895.5); c.2425G>C, p.Gly809Arg (NM_183395.3); short protein forms G809R, G925R, G866R, G923R.
Identifiers: ClinVar variation 2839766 (VCV002839766.3), dbSNP rs767011471, ClinGen allele CA345565141.
Genomic context (GRCh38, chr1:247,444,075, plus strand): 5'-TCCTCGGTACTCAGCACTAATCAGAATCTCACGCACCTTTACCTGCGAGGCAACACTCTC[G>C]GAGACAAGGGGATCAAACTACTCTGTGAGGGACTCTTGCACCCCGACTGCAAGCTTCAGG-3'
Protein context (NP_001230062.1, residues 913-933): THLYLRGNTL[Gly923Arg]DKGIKLLCEG

ClinVar aggregate classification (germline): Uncertain significance (1 of 4 stars; one submission).

Conditions:
Cryopyrin associated periodic syndrome (CAPS). Identifiers: Orphanet 208650, MedGen C2316212, MONDO:0016168.

Submission:

Labcorp Genetics (formerly Invitae), Labcorp
Classification: Uncertain significance for Cryopyrin associated periodic syndrome. Last evaluated: 2023-07-31. Review status: criteria provided, single submitter. Criteria: Invitae Variant Classification Sherloc (09022015). Collection method: clinical testing. Allele origin: germline.
Comment: This variant has not been reported in the literature in individuals affected with NLRP3-related conditions. In summary, the available evidence is currently insufficient to determine the role of this variant in disease. Therefore, it has been classified as a Variant of Uncertain Significance. Advanced modeling of protein sequence and biophysical properties (such as structural, functional, and spatial information, amino acid conservation, physicochemical variation, residue mobility, and thermodynamic stability) has been performed at Invitae for this missense variant, however the output from this modeling did not meet the statistical confidence thresholds required to predict the impact of this variant on NLRP3 protein function. This variant is not present in population databases (gnomAD no frequency). This sequence change replaces glycine, which is neutral and non-polar, with arginine, which is basic and polar, at codon 925 of the NLRP3 protein (p.Gly925Arg).